The following is an entry in ClinVar:

ClinVar aggregate classification (germline): Likely pathogenic (1 of 4 stars; one submission).

Conditions:
Peroxisome biogenesis disorder. Identifiers: Orphanet 79189, MedGen C1832200, MONDO:0019234. Disease mechanism: loss of function.

Submission:

Myriad Genetics, Inc.
Classification: Likely pathogenic for Peroxisome biogenesis disorder. Last evaluated: 2022-01-25. Review status: criteria provided, single submitter. Criteria: Myriad Autosomal Dominant, Autosomal Recessive and X-Linked Classification Criteria (2023). Collection method: clinical testing. Allele origin: unknown.
Comment: NM_153818.1(PEX10):c.222_223delCA(S75Hfs*45) is expected to be pathogenic in the context of peroxisome biogenesis disorder type 6. This variant is predicted to lead to an abnormal or absent protein product due to the creation of a premature termination codon in PEX10, a gene where loss-of-function variants are known to be pathogenic. Please note: this variant was assessed in the context of healthy population screening.

NM_002617.4(PEX10):c.222_223del (p.Ser75fs)

Gene: PEX10 (peroxisomal biogenesis factor 10; minus strand). Cytogenetic location: 1p36.32.
Variant type: Deletion.
Coding change: c.222_223del on transcript NM_002617.4 (MANE Select); coding-DNA positions 222 to 223, 2 bases deleted (CA; older notation c.222_223delCA).
Protein change: p.Ser75fs; shifts the reading frame from serine 75.
Molecular consequence: frameshift variant. On other transcripts: 5 prime UTR variant (2), non-coding transcript variant (1).
Genome position (GRCh38, 1-based): chr1:2,408,829-2,408,830, TG deleted on the plus strand (CA on the coding strand, the reverse complement: PEX10 is on the minus strand). VCF-style (leftmost placement, unchanged base first): chr1-2408828-CTG-C. GRCh37 (hg19) VCF-style: chr1-2340267-CTG-C.
Other names: c.222_223del, p.Ser75fs (NM_001374425.1, NM_153818.2); c.-211_-210del (NM_001374426.1, NM_001374427.1); short protein forms S75fs.
Identifiers: ClinVar variation 1724122 (VCV001724122.3), dbSNP rs2522280332, ClinGen allele CA2580062506.